The following is an entry in ClinVar:

NM_003086.4(SNAPC4):c.2969C>T (p.Ala990Val)

Gene: SNAPC4 (small nuclear RNA activating complex polypeptide 4; minus strand). Cytogenetic location: 9q34.3.
Variant type: single nucleotide variant.
Coding change: c.2969C>T on transcript NM_003086.4 (MANE Select); coding-DNA position 2969, C replaced by T.
Protein change: p.Ala990Val; replaces alanine 990 with valine.
Molecular consequence: missense variant.
Genome position (GRCh38, 1-based): chr9:136,378,858, G>A on the plus strand (C>T on the coding strand, the complement: SNAPC4 is on the minus strand). VCF-style: chr9-136378858-G-A. GRCh37 (hg19) VCF-style: chr9-139273310-G-A.
Other names: c.2969C>T, p.Ala990Val (NM_001394201.1); c.2885C>T, p.Ala962Val (NM_001394202.1, NM_001394203.1); short protein forms A962V, A990V.
Identifiers: ClinVar variation 3166914 (VCV003166914.2), dbSNP rs777854684, ClinGen allele CA5333784.

ClinVar aggregate classification (germline): Uncertain significance (1 of 4 stars; one submission).

Conditions:
Inborn genetic diseases. Identifiers: MedGen C0950123, MeSH D030342.

Allele frequency attached by ClinVar (database versions not stated): ExAC 0.00001.
gnomAD v4.1: 7 of 1,609,266 alleles (0.00043%); highest among the groups gnomAD compares: Admixed American, 0.0067%; no homozygotes.

Submission:

Ambry Genetics
Classification: Uncertain significance for Inborn genetic diseases. Last evaluated: 2026-06-10. Review status: criteria provided, single submitter. Criteria: Ambry Variant Classification Scheme 2023. Collection method: clinical testing. Allele origin: germline.
Comment: The c.2969C>T (p.A990V) alteration is located in exon 21 (coding exon 21) of the SNAPC4 gene. This alteration results from a C to T substitution at nucleotide position 2969, causing the alanine (A) at amino acid position 990 to be replaced by a valine (V). Based on data from gnomAD, the T allele has an overall frequency of 0.002% (4/241402) total alleles studied. The highest observed frequency was 0.017% (1/5848) of Other alleles. Based on insufficient or conflicting evidence, the clinical significance of this alteration remains unclear.